The following is an entry in ClinVar:

NM_002617.4(PEX10):c.58_71del (p.Tyr20fs)

Gene: PEX10 (peroxisomal biogenesis factor 10; minus strand). Cytogenetic location: 1p36.32.
Variant type: Deletion.
Coding change: c.58_71del on transcript NM_002617.4 (MANE Select); coding-DNA positions 58 to 71, 14 bases deleted (TACTACCGCGGTGG).
Protein change: p.Tyr20fs; shifts the reading frame from tyrosine 20.
Molecular consequence: frameshift variant. On other transcripts: intron variant (2).
Genome position (GRCh38, 1-based): chr1:2,412,432-2,412,445, CCACCGCGGTAGTA deleted on the plus strand (TACTACCGCGGTGG on the coding strand, the reverse complement: PEX10 is on the minus strand); deleting any 14 consecutive bases within chr1:2,412,432-2,412,446 gives the same sequence; the c. name uses the placement nearest the transcript's 3' end. VCF-style (leftmost placement, unchanged base first): chr1-2412431-CCCACCGCGGTAGTA-C. GRCh37 (hg19) VCF-style: chr1-2343870-CCCACCGCGGTAGTA-C.
Other names: c.58_71del, p.Tyr20fs (NM_001374425.1, NM_153818.2); c.-321+1152_-321+1165del (NM_001374427.1, NM_001374426.1); short protein forms Y20fs.
Identifiers: ClinVar variation 5015473 (VCV005015473.1).
Genomic context (GRCh38, chr1:2,412,431, plus strand): 5'-CGGCCGCGCCCGGCCCTCACCCGCCAGGCTGTGCAGGGCGCCGCCCGCCGCGCTCCGCAG[CCCACCGCGGTAGTA>C]CTCGTCCTTCTGCGCCGCGCGGATCACCTCCGGGGGGCTGGCGGCGGCCGGGGCCATGGC-3'

ClinVar aggregate classification (germline): Pathogenic (1 of 4 stars; one submission).

Conditions:
Peroxisome biogenesis disorder. Identifiers: Orphanet 79189, MedGen C1832200, MONDO:0019234. Disease mechanism: loss of function.

Submission:

Myriad Genetics, Inc.
Classification: Pathogenic for Peroxisome biogenesis disorder. Last evaluated: 2026-01-24. Review status: criteria provided, single submitter. Criteria: Myriad Autosomal Dominant, Autosomal Recessive and X-Linked Classification Criteria (2023). Collection method: clinical testing. Allele origin: unknown.
Comment: NM_153818.1(PEX10):c.58_71del14(Y20Afs*26) is expected to be pathogenic in the context of peroxisome biogenesis disorder type 6. This variant is predicted to lead to an abnormal or absent protein product due to the creation of a premature termination codon in PEX10, a gene where loss-of-function variants are known to be pathogenic. Please note: this variant was assessed in the context of healthy population screening.